The following is an entry in ClinVar:

NM_003587.5(DHX16):c.961G>A (p.Ala321Thr)

Gene: DHX16 (DEAH-box helicase 16; minus strand). Cytogenetic location: 6p21.33.
Variant type: single nucleotide variant.
Coding change: c.961G>A on transcript NM_003587.5 (MANE Select); coding-DNA position 961, G replaced by A.
Protein change: p.Ala321Thr; replaces alanine 321 with threonine.
Molecular consequence: missense variant. On other transcripts: 5 prime UTR variant (1).
Genome position (GRCh38, 1-based): chr6:30,665,235, C>T on the plus strand (G>A on the coding strand, the complement: DHX16 is on the minus strand). VCF-style: chr6-30665235-C-T. GRCh37 (hg19) VCF-style: chr6-30633012-C-T.
Other names: c.781G>A, p.Ala261Thr (NM_001164239.2); c.-1159G>A (NM_001363515.2); short protein forms A261T, A321T.
Identifiers: ClinVar variation 3901948 (VCV003901948.1).

ClinVar aggregate classification (germline): Uncertain significance (1 of 4 stars; one submission).

Conditions:
Neuromuscular disease and ocular or auditory anomalies with or without seizures. Also called: NEUROMUSCULAR OCULOAUDITORY SYNDROME. Identifiers: MedGen C5231483, MONDO:0032890, OMIM 618733.

Submission:

Laboratorio de Genetica e Diagnostico Molecular, Hospital Israelita Albert Einstein
Classification: Uncertain significance for Neuromuscular disease and ocular or auditory anomalies with or without seizures. Last evaluated: 2023-10-19. Review status: criteria provided, single submitter. Criteria: ACMG Guidelines, 2015. Collection method: clinical testing. Allele origin: germline. Affected: yes.
Comment: ACMG classification criteria: PM2 moderate, BP4 supporting